The following is an entry in ClinVar:

NM_001377.3(DYNC2H1):c.9498del (p.Glu3167fs)

Gene: DYNC2H1 (dynein cytoplasmic 2 heavy chain 1; plus strand). Cytogenetic location: 11q22.3.
Variant type: Deletion.
Coding change: c.9498del on transcript NM_001377.3 (MANE Select); coding-DNA position 9498, one base deleted (A; older notation c.9498delA).
Protein change: p.Glu3167fs; shifts the reading frame from glutamic acid 3167.
Molecular consequence: frameshift variant.
Genome position (GRCh38, 1-based): chr11:103,234,091, A deleted; the last of 2 consecutive A bases (chr11:103,234,090-103,234,091); deleting either gives the same sequence. VCF-style (leftmost placement, unchanged base first): chr11-103234089-CA-C. GRCh37 (hg19) VCF-style: chr11-103104818-CA-C.
Other names: c.9498del, p.Glu3167fs (NM_001080463.2); short protein forms E3167fs.
Identifiers: ClinVar variation 5014470 (VCV005014470.1).

ClinVar aggregate classification (germline): Pathogenic (1 of 4 stars; one submission).

Conditions:
Asphyxiating thoracic dystrophy 3. Also called: SHORT-RIB THORACIC DYSPLASIA 3 WITH OR WITHOUT POLYDACTYLY; POLYDACTYLY WITH NEONATAL CHONDRODYSTROPHY, TYPE I; SHORT-RIB THORACIC DYSPLASIA 3/6 WITH POLYDACTYLY, DIGENIC; Short rib polydactyly syndrome 2B; Saldino-Noonan Syndrome. Identifiers: Orphanet 474, Orphanet 93269, Orphanet 93270, Orphanet 93271, MedGen C0036069, MONDO:0013127, OMIM 613091.

Submission:

Myriad Genetics, Inc.
Classification: Pathogenic for Asphyxiating thoracic dystrophy 3. Last evaluated: 2025-05-18. Review status: criteria provided, single submitter. Criteria: Myriad Autosomal Dominant, Autosomal Recessive and X-Linked Classification Criteria (2023). Collection method: clinical testing. Allele origin: unknown.
Comment: NM_001377.2(DYNC2H1):c.9498delA(E3167Kfs*9) is expected to be pathogenic in the context of DYNC2H1-related disorders. This variant is predicted to lead to an abnormal or absent protein product due to the creation of a premature termination codon in DYNC2H1, a gene where loss-of-function variants are known to be pathogenic. Please note: this variant was assessed in the context of healthy population screening.